The following is an entry in ClinVar:

ClinVar aggregate classification (germline): Likely benign. Review status: criteria provided, multiple submitters, no conflicts (2 of 4 stars). 3 submissions from 3 submitters: Likely benign (3). Last evaluated 2025-03-03.

Conditions:
Absence seizure. Also called: Absence epilepsy. Identifiers: Orphanet 1941, MedGen C0014553.
Myoclonic epilepsy, juvenile, susceptibility to, 1. Also called: Myoclonic Epilepsy, Juvenile, 1; EJM1. Identifiers: MedGen C1850778, MONDO:0020752, OMIM 254770.

Allele frequency attached by ClinVar (database versions not stated): gnomAD exomes below 0.00001 and 0.00001; ExAC 0.00001; TOPMed 0.00001; gnomAD 0.00002; 1000 Genomes Project 30x 0.00031; 1000 Genomes Project 0.00040.
gnomAD v4.1: 9 of 1,614,062 alleles (0.00056%); highest among the groups gnomAD compares: East Asian, 0.02%; no homozygotes.

Submissions (3):

Athena Diagnostics
Classification: Likely benign. Last evaluated: 2025-03-03. Review status: criteria provided, single submitter. Criteria: Athena Diagnostics Criteria. Collection method: clinical testing. Allele origin: unknown.
Comment: Computational tools yielded predictions that this variant is unlikely to have an effect on normal RNA splicing. This nucleotide position exhibits low evolutionary conservation.

Labcorp Genetics (formerly Invitae), Labcorp
Classification: Likely benign for Myoclonic epilepsy, juvenile, susceptibility to, 1; Absence seizure. Last evaluated: 2019-11-14. Review status: criteria provided, single submitter. Criteria: Invitae Variant Classification Sherloc (09022015). Collection method: clinical testing. Allele origin: germline.

Breakthrough Genomics
Classification: Likely benign. Review status: criteria provided, single submitter. Criteria: ACMG Guidelines, 2015. Collection method: not provided. Allele origin: germline. Inheritance: Autosomal dominant inheritance. Affected: yes.

NM_018100.4(EFHC1):c.1059G>A (p.Arg353=)

Gene: EFHC1 (EF-hand domain containing 1; plus strand). Cytogenetic location: 6p12.2.
Variant type: single nucleotide variant.
Coding change: c.1059G>A on transcript NM_018100.4 (MANE Select); coding-DNA position 1059, G replaced by A.
Protein change: p.Arg353=; no amino-acid change (arginine 353 retained).
Molecular consequence: synonymous variant. On other transcripts: non-coding transcript variant (1).
Genome position (GRCh38, 1-based): chr6:52,465,037, G>A. VCF-style: chr6-52465037-G-A. GRCh37 (hg19) VCF-style: chr6-52329835-G-A.
Other names: c.1002G>A, p.Arg334= (NM_001172420.2).
Identifiers: ClinVar variation 534113 (VCV000534113.15), dbSNP rs200024100, ClinGen allele CA3855977.
Genomic context (GRCh38, chr6:52,465,037, plus strand): 5'-GTCACTCACTATCCTTGGGAGAACTTTCTTCATTTATGATTGTGATCCATTTACTCGACG[G>A]TATTACAAAGAGAAGTTTGGAATCACTGATTTACCACGTATTGATGTGAGCAAGCGGGAA-3'
Protein context (NP_060570.2, residues 343-363): FIYDCDPFTR[Arg353=]YYKEKFGITD